The following is an entry in ClinVar:

ClinVar aggregate classification (germline): Uncertain significance (1 of 4 stars; one submission).

Conditions:
Hereditary pancreatitis (PCTT). Also called: Hereditary chronic pancreatitis; PRSS1-Related Hereditary Pancreatitis. Identifiers: Orphanet 676, MedGen C0238339, MONDO:0008185, OMIM 167800.

gnomAD v4.1: 1 of 1,614,210 alleles (0.000062%); highest among the groups gnomAD compares: Non-Finnish European, 0.000085%; no homozygotes.

Submission:

Ambry Genetics
Classification: Uncertain significance for Hereditary pancreatitis. Last evaluated: 2025-05-25. Review status: criteria provided, single submitter. Criteria: Ambry Variant Classification Scheme 2023. Collection method: clinical testing. Allele origin: germline.
Comment: The p.V139M variant (also known as c.415G>A), located in coding exon 5 of the CTRC gene, results from a G to A substitution at nucleotide position 415. The valine at codon 139 is replaced by methionine, an amino acid with highly similar properties. This amino acid position is conserved. In addition, this alteration is predicted to be tolerated by in silico analysis. Since supporting evidence is limited at this time, the clinical significance of this alteration remains unclear.

NM_007272.3(CTRC):c.415G>A (p.Val139Met)

Gene: CTRC (chymotrypsin C; plus strand). Cytogenetic location: 1p36.21.
Variant type: single nucleotide variant.
Coding change: c.415G>A on transcript NM_007272.3 (MANE Select); coding-DNA position 415, G replaced by A.
Protein change: p.Val139Met; replaces valine 139 with methionine.
Molecular consequence: missense variant.
Genome position (GRCh38, 1-based): chr1:15,443,477, G>A. VCF-style: chr1-15443477-G-A. GRCh37 (hg19) VCF-style: chr1-15769972-G-A.
Other names: short protein forms V139M.
Identifiers: ClinVar variation 3226073 (VCV003226073.2), dbSNP rs2526297204, ClinGen allele CA338566136.